The following is an entry in ClinVar:

NM_001035.3(RYR2):c.2357G>A (p.Gly786Asp)

Gene: RYR2 (ryanodine receptor 2; plus strand). Cytogenetic location: 1q43.
Variant type: single nucleotide variant.
Coding change: c.2357G>A on transcript NM_001035.3 (MANE Select); coding-DNA position 2357, G replaced by A.
Protein change: p.Gly786Asp; replaces glycine 786 with aspartic acid.
Molecular consequence: missense variant.
Genome position (GRCh38, 1-based): chr1:237,500,864, G>A. VCF-style: chr1-237500864-G-A. GRCh37 (hg19) VCF-style: chr1-237664164-G-A.
Other names: c.2357G>A, p.Gly786Asp (LRG_402t1); short protein forms G786D.
Identifiers: ClinVar variation 532340 (VCV000532340.23), dbSNP rs182778119, ClinGen allele CA086019.
Genomic context (GRCh38, chr1:237,500,864, plus strand): 5'-TCTCGTTCCGAATTAATGGACAACCTGTTCAAGGAATGTTTGAGAATTTCAACATCGATG[G>A]CCTCTTCTTTCCAGTCGTTAGTTTCTCTGCAGGAATAAAGTTAGTATGTCTATGTTTTTT-3'
Protein context (NP_001026.2, residues 776-796): QGMFENFNID[Gly786Asp]LFFPVVSFSA

ClinVar aggregate classification (germline): Conflicting classifications of pathogenicity. Review status: criteria provided, conflicting classifications (1 of 4 stars). 7 submissions from 7 submitters: Uncertain significance (6); Likely benign (1). Last evaluated 2025-12-28.

Conditions:
Catecholaminergic polymorphic ventricular tachycardia 1. Also called: VENTRICULAR TACHYCARDIA, CATECHOLAMINERGIC POLYMORPHIC, 1, WITH OR WITHOUT ATRIAL DYSFUNCTION AND/OR DILATED CARDIOMYOPATHY; RYR2-Related Catecholaminergic Polymorphic Ventricular Tachycardia; VENTRICULAR TACHYCARDIA, STRESS-INDUCED POLYMORPHIC 1. Identifiers: Orphanet 3286, MedGen C1631597, MONDO:0011484, OMIM 604772.
Catecholaminergic polymorphic ventricular tachycardia (CVPT). Also called: Catecholamine-induced polymorphic ventricular tachycardia. Identifiers: Orphanet 3286, MedGen C5574922, MONDO:0017990.
Cardiovascular phenotype. Identifiers: MedGen CN230736.
Cardiomyopathy (CMYO). Also called: Cardiomyopathies. Identifiers: Orphanet 167848, MedGen C0878544, MONDO:0004994, HP:0001638. Inheritance: Various modes of inheritance.

Allele frequency attached by ClinVar (database versions not stated): TOPMed 0.00027; ExAC 0.00001; gnomAD 0.00008 and 0.00010; 1000 Genomes Project 30x 0.00031; 1000 Genomes Project 0.00040.
gnomAD v4.1: 57 of 1,613,946 alleles (0.0035%); highest among the groups gnomAD compares: Admixed American, 0.052%; no homozygotes.

Submissions (7):

Labcorp Genetics (formerly Invitae), Labcorp
Classification: Uncertain significance for Catecholaminergic polymorphic ventricular tachycardia 1. Last evaluated: 2025-12-28. Review status: criteria provided, single submitter. Criteria: Invitae Variant Classification Sherloc (09022015). Collection method: clinical testing. Allele origin: germline.
Comment: This sequence change replaces glycine, which is neutral and non-polar, with aspartic acid, which is acidic and polar, at codon 786 of the RYR2 protein (p.Gly786Asp). This variant is present in population databases (rs182778119, gnomAD 0.03%). This variant has not been reported in the literature in individuals affected with RYR2-related conditions. ClinVar contains an entry for this variant (Variation ID: 532340). Invitae Evidence Modeling of protein sequence and biophysical properties (such as structural, functional, and spatial information, amino acid conservation, physicochemical variation, residue mobility, and thermodynamic stability) has been performed for this missense variant. However, the output from this modeling did not meet the statistical confidence thresholds required to predict the impact of this variant on RYR2 protein function. In summary, the available evidence is currently insufficient to determine the role of this variant in disease. Therefore, it has been classified as a Variant of Uncertain Significance.

Dasa
Classification: Uncertain significance. Last evaluated: 2025-10-29. Review status: criteria provided, single submitter. Criteria: DASA Assertion Criteria. Collection method: clinical testing. Allele origin: germline.
Comment: NM_001035.3(RYR2):c.2357G>A (p.Gly786Asp) is a missense variant that results in the substitution of glycine with aspartic acid. This variant is rare in population databases. Computational prediction algorithms are consistent with a deleterious effect. The currently available literature and clinical evidence are not sufficient to establish a definitive association between this variant and the reported condition. Therefore, this variant is classified as a variant of uncertain significance.

Color Diagnostics, LLC DBA Color Health
Classification: Likely benign for Cardiomyopathy. Last evaluated: 2025-04-10. Review status: criteria provided, single submitter. Criteria: ACMG Guidelines, 2015. Collection method: clinical testing. Allele origin: germline.

GeneDx
Classification: Uncertain significance. Last evaluated: 2024-12-09. Review status: criteria provided, single submitter. Criteria: GeneDx Variant Classification Process June 2021. Collection method: clinical testing. Allele origin: germline.
Comment: Observed in an individual with catecholaminergic polymorphic ventricular tachycardia (CPVT) (PMID: 28404607); In silico analysis supports that this missense variant has a deleterious effect on protein structure/function; Not located in one of the three hot-spot regions of the RYR2 gene, where the majority of pathogenic missense variants occur (PMID: 19926015); This variant is associated with the following publications: (PMID: 19926015, 28404607)

All of Us Research Program, National Institutes of Health
Classification: Uncertain significance for Catecholaminergic polymorphic ventricular tachycardia. Last evaluated: 2024-07-20. Review status: criteria provided, single submitter. Criteria: ACMG Guidelines, 2015. Collection method: clinical testing. Allele origin: germline. Inheritance: Autosomal dominant inheritance. Observed: 26 variant alleles, 26 heterozygotes.
Comment: This missense variant replaces glycine with aspartic acid at codon 786 of the RYR2 protein. Computational prediction suggests that this variant may have deleterious impact on protein structure and function (internally defined REVEL score threshold >= 0.7, PMID: 27666373). To our knowledge, functional studies have not been reported for this variant. This variant has not been reported in individuals affected with RYR2-related disorders in the literature. This variant has been identified in 10/249282 chromosomes in the general population by the Genome Aggregation Database (gnomAD). The available evidence is insufficient to determine the role of this variant in disease conclusively. Therefore, this variant is classified as a Variant of Uncertain Significance.

This study involves interpretation of variants in research participants for the purpose of population health screening. Participant phenotype was not available at the time of variant classification. Additional details can be found in publication PMID: 35346344, PMCID: PMC8962531

Ambry Genetics
Classification: Uncertain significance for Cardiovascular phenotype. Last evaluated: 2024-02-26. Review status: criteria provided, single submitter. Criteria: Ambry Variant Classification Scheme 2023. Collection method: clinical testing. Allele origin: germline.
Comment: The p.G786D variant (also known as c.2357G>A), located in coding exon 21 of the RYR2 gene, results from a G to A substitution at nucleotide position 2357. The glycine at codon 786 is replaced by aspartic acid, an amino acid with similar properties. This alteration has been reported in a whole exome sequencing cohort; however, clinical details were limited (Landstrom AP et al. Circ Arrhythm Electrophysiol, 2017 Apr;10). This amino acid position is highly conserved in available vertebrate species. In addition, this alteration is predicted to be deleterious by in silico analysis. Based on the available evidence, the clinical significance of this alteration remains unclear.

Breakthrough Genomics
Classification: Uncertain significance. Review status: criteria provided, single submitter. Criteria: ACMG Guidelines, 2015. Collection method: not provided. Allele origin: germline. Inheritance: Autosomal dominant inheritance. Affected: yes.

Literature cited by the submitters: PubMed 28404607 (cited by Ambry Genetics); PubMed 35026164 (cited by Ambry Genetics).